The following is an entry in ClinVar:

ClinVar aggregate classification (germline): Uncertain significance (1 of 4 stars; one submission).

Conditions:
Hereditary cancer-predisposing syndrome. Also called: Hereditary neoplastic syndrome; Hereditary Cancer Syndrome; Neoplastic Syndromes, Hereditary; Tumor predisposition. Identifiers: Orphanet 140162, MedGen C0027672, MeSH D009386, MONDO:0015356.

Submission:

Ambry Genetics
Classification: Uncertain significance for Hereditary cancer-predisposing syndrome. Last evaluated: 2026-08-24. Review status: criteria provided, single submitter. Criteria: Ambry Variant Classification Scheme 2023. Collection method: clinical testing. Allele origin: germline.
Comment: The p.G752C variant (also known as c.2254G>T), located in coding exon 4 of the MSH6 gene, results from a G to T substitution at nucleotide position 2254. The glycine at codon 752 is replaced by cysteine, an amino acid with highly dissimilar properties. This amino acid position is highly conserved in available vertebrate species. In addition, this alteration is predicted to be deleterious by in silico analysis. Based on the available evidence, the clinical significance of this variant remains unclear.

NM_000179.3(MSH6):c.2254G>T (p.Gly752Cys)

Gene: MSH6 (mutS homolog 6; plus strand). Cytogenetic location: 2p16.3.
Variant type: single nucleotide variant.
Coding change: c.2254G>T on transcript NM_000179.3 (MANE Select); coding-DNA position 2254, G replaced by T.
Protein change: p.Gly752Cys; replaces glycine 752 with cysteine.
Molecular consequence: missense variant. On other transcripts: non-coding transcript variant (5), intron variant (2).
Genome position (GRCh38, 1-based): chr2:47,800,237, G>T. VCF-style: chr2-47800237-G-T. GRCh37 (hg19) VCF-style: chr2-48027376-G-T.
Other names: c.1864G>T, p.Gly622Cys (NM_001281492.2); c.1348G>T, p.Gly450Cys (NM_001281493.2, NM_001406814.1, NM_001406815.1 and 6 more transcripts); c.2260G>T, p.Gly754Cys (NM_001406813.1); c.1957G>T, p.Gly653Cys (NM_001406818.1, NM_001406819.1, NM_001406820.1 and 10 more transcripts); c.2350G>T, p.Gly784Cys (NM_001406795.1, NM_001406802.1); c.2254G>T, p.Gly752Cys (NM_001406796.1, NM_001406798.1, NM_001406800.1 and 3 more transcripts); c.1729G>T, p.Gly577Cys (NM_001406799.1, NM_001406806.1, NM_001406807.1); c.2176G>T, p.Gly726Cys (NM_001406804.1); and 3 more; short protein forms G653C, G696C, G784C, G577C, G622C, G754C, G450C, G726C.
Identifiers: ClinVar variation 2587347 (VCV002587347.3), dbSNP rs1296033854, ClinGen allele CA346752698.